The following is an entry in ClinVar:

ClinVar aggregate classification (germline): Conflicting classifications of pathogenicity. Review status: criteria provided, conflicting classifications (1 of 4 stars). 4 submissions from 4 submitters: Uncertain significance (3); Likely benign (1). Last evaluated 2025-03-04.

Allele frequency attached by ClinVar (database versions not stated): TOPMed 0.00002; ExAC 0.00003; gnomAD 0.00003 and 0.00004; gnomAD exomes 0.00003 and 0.00004.
gnomAD v4.1: 55 of 1,612,924 alleles (0.0034%); highest among the groups gnomAD compares: Non-Finnish European, 0.0046%; no homozygotes.

Submissions (4):

Center for Genomic Medicine, Rigshospitalet, Copenhagen University Hospital
Classification: Uncertain significance. Last evaluated: 2025-03-04. Review status: criteria provided, single submitter. Criteria: ACMG Guidelines, 2015. Collection method: clinical testing. Allele origin: germline.

Ambry Genetics
Classification: Likely benign. Last evaluated: 2024-12-17. Review status: criteria provided, single submitter. Criteria: Ambry Variant Classification Scheme 2023. Collection method: clinical testing. Allele origin: germline.

Labcorp Genetics (formerly Invitae), Labcorp
Classification: Uncertain significance. Last evaluated: 2024-01-09. Review status: criteria provided, single submitter. Criteria: Invitae Variant Classification Sherloc (09022015). Collection method: clinical testing. Allele origin: germline.
Comment: This sequence change replaces methionine, which is neutral and non-polar, with leucine, which is neutral and non-polar, at codon 522 of the RNF43 protein (p.Met522Leu). This variant is present in population databases (rs758649188, gnomAD 0.006%). This variant has not been reported in the literature in individuals affected with RNF43-related conditions. ClinVar contains an entry for this variant (Variation ID: 834383). An algorithm developed to predict the effect of missense changes on protein structure and function (PolyPhen-2) suggests that this variant is likely to be tolerated. In summary, the available evidence is currently insufficient to determine the role of this variant in disease. Therefore, it has been classified as a Variant of Uncertain Significance.

GeneDx
Classification: Uncertain significance. Last evaluated: 2022-09-22. Review status: criteria provided, single submitter. Criteria: GeneDx Variant Classification Process June 2021. Collection method: clinical testing. Allele origin: germline. Affected: yes.
Comment: In silico analysis supports that this missense variant does not alter protein structure/function; Has not been previously published as pathogenic or benign to our knowledge; Variants in candidate genes are classified as variants of uncertain significance in accordance with ACMG guidelines (Richards et al., 2015)

NM_017763.6(RNF43):c.1564A>C (p.Met522Leu)

Gene: RNF43 (ring finger protein 43; minus strand). Cytogenetic location: 17q22.
Variant type: single nucleotide variant.
Coding change: c.1564A>C on transcript NM_017763.6 (MANE Select); coding-DNA position 1564, A replaced by C.
Protein change: p.Met522Leu; replaces methionine 522 with leucine.
Molecular consequence: missense variant.
Genome position (GRCh38, 1-based): chr17:58,358,212, T>G on the plus strand (A>C on the coding strand, the complement: RNF43 is on the minus strand). VCF-style: chr17-58358212-T-G. GRCh37 (hg19) VCF-style: chr17-56435573-T-G.
Other names: c.1564A>C, p.Met522Leu (NM_001305544.3); c.1183A>C, p.Met395Leu (NM_001305545.2); short protein forms M395L, M522L.
Identifiers: ClinVar variation 834383 (VCV000834383.10), dbSNP rs758649188, ClinGen allele CA8673157.